The following is an entry in ClinVar:

NM_001378418.1(TCF20):c.5825C>A (p.Pro1942His)

Gene: TCF20 (transcription factor 20; minus strand). Cytogenetic location: 22q13.2.
Variant type: single nucleotide variant.
Coding change: c.5825C>A on transcript NM_001378418.1 (MANE Select); coding-DNA position 5825, C replaced by A.
Protein change: p.Pro1942His; replaces proline 1942 with histidine.
Molecular consequence: missense variant. On other transcripts: intron variant (1).
Genome position (GRCh38, 1-based): chr22:42,168,711, G>T on the plus strand (C>A on the coding strand, the complement: TCF20 is on the minus strand). VCF-style: chr22-42168711-G-T. GRCh37 (hg19) VCF-style: chr22-42564717-G-T.
Other names: c.5825C>A, p.Pro1942His (NM_005650.4); c.5799+1136C>A (NM_181492.3); short protein forms P1942H.
Identifiers: ClinVar variation 725819 (VCV000725819.12), dbSNP rs144341537, ClinGen allele CA10266327.

ClinVar aggregate classification (germline): Benign/Likely benign. Review status: criteria provided, multiple submitters, no conflicts (2 of 4 stars). 4 submissions from 4 submitters: Benign (1); Likely benign (2). 1 of the submissions does not count toward it. Last evaluated 2026-09-01.

Conditions:
TCF20-related disorder. Also called: TCF20-related condition.

Allele frequency attached by ClinVar (database versions not stated): ESP Exome Variant Server 0.00008; TOPMed 0.00049.
gnomAD v4.1: 539 of 1,611,216 alleles (0.033%); highest among the groups gnomAD compares: Admixed American, 0.37%; no homozygotes.

Submissions (4):

CeGaT Center for Human Genetics Tuebingen
Classification: Likely benign. Last evaluated: 2026-09-01. Review status: criteria provided, single submitter. Criteria: CeGaT Center For Human Genetics Tuebingen Variant Classification Criteria Version 2. Collection method: clinical testing. Allele origin: germline. Affected: yes. Observed: 4 variant alleles.
Comment: TCF20: BP4, BS1

Labcorp Genetics (formerly Invitae), Labcorp
Classification: Benign. Last evaluated: 2026-01-05. Review status: criteria provided, single submitter. Criteria: Invitae Variant Classification Sherloc (09022015). Collection method: clinical testing. Allele origin: germline.

Blueprint Genetics
Classification: Likely benign. Last evaluated: 2024-11-06. Review status: criteria provided, single submitter. Criteria: ACMG Guidelines, 2015. Collection method: clinical testing. Allele origin: germline.

PreventionGenetics, part of Exact Sciences
Classification: Benign for TCF20-related condition. Last evaluated: 2019-10-28. Review status: no assertion criteria provided. Collection method: clinical testing. Allele origin: germline. Not counted in ClinVar's aggregate classification.
Comment: This variant is classified as benign based on ACMG/AMP sequence variant interpretation guidelines (Richards et al. 2015 PMID: 25741868, with internal and published modifications).